The following is an entry in ClinVar:

ClinVar aggregate classification (germline): Uncertain significance (1 of 4 stars; one submission).

Conditions:
Inborn genetic diseases. Identifiers: MedGen C0950123, MeSH D030342.

Submission:

Ambry Genetics
Classification: Uncertain significance for Inborn genetic diseases. Last evaluated: 2024-11-27. Review status: criteria provided, single submitter. Criteria: Ambry Variant Classification Scheme 2023. Collection method: clinical testing. Allele origin: germline.
Comment: The p.K209Q variant (also known as c.625A>C), located in coding exon 5 of the HAX1 gene, results from an A to C substitution at nucleotide position 625. The lysine at codon 209 is replaced by glutamine, an amino acid with similar properties. This amino acid position is conserved. In addition, this alteration is predicted to be tolerated by in silico analysis. Based on the available evidence, the clinical significance of this variant remains unclear.

NM_006118.4(HAX1):c.625A>C (p.Lys209Gln)

Gene: HAX1 (HCLS1 associated protein X-1; plus strand). Cytogenetic location: 1q21.3.
Variant type: single nucleotide variant.
Coding change: c.625A>C on transcript NM_006118.4 (MANE Select); coding-DNA position 625, A replaced by C.
Protein change: p.Lys209Gln; replaces lysine 209 with glutamine.
Molecular consequence: missense variant.
Genome position (GRCh38, 1-based): chr1:154,275,222, A>C. VCF-style: chr1-154275222-A-C. GRCh37 (hg19) VCF-style: chr1-154247698-A-C.
Other names: c.481A>C, p.Lys161Gln (NM_001018837.2); short protein forms K209Q, K161Q.
Identifiers: ClinVar variation 3524089 (VCV003524089.1).